The following is an entry in ClinVar:

NM_001042492.3(NF1):c.1510C>G (p.Pro504Ala)

Gene: NF1 (neurofibromin 1; plus strand). Cytogenetic location: 17q11.2.
Variant type: single nucleotide variant.
Coding change: c.1510C>G on transcript NM_001042492.3 (MANE Select); coding-DNA position 1510, C replaced by G.
Protein change: p.Pro504Ala; replaces proline 504 with alanine.
Molecular consequence: missense variant.
Genome position (GRCh38, 1-based): chr17:31,214,568, C>G. VCF-style: chr17-31214568-C-G. GRCh37 (hg19) VCF-style: chr17-29541586-C-G.
Other names: c.1510C>G, p.Pro504Ala (NM_000267.4, NM_001128147.3); short protein forms P504A.
Identifiers: ClinVar variation 2128028 (VCV002128028.4), dbSNP rs1597698495, ClinGen allele CA399001671.

ClinVar aggregate classification (germline): Uncertain significance (1 of 4 stars; one submission).

Conditions:
Neurofibromatosis, type 1 (NF1). Also called: Peripheral type neurofibromatosis; NEUROFIBROMATOSIS, TYPE I, SOMATIC; Neurofibromatosis, type I; VON RECKLINGHAUSEN DISEASE. Identifiers: Orphanet 636, MedGen C0027831, MONDO:0018975, OMIM 162200. Disease mechanism: loss of function.

Submission:

Labcorp Genetics (formerly Invitae), Labcorp
Classification: Uncertain significance for Neurofibromatosis, type 1. Last evaluated: 2022-04-19. Review status: criteria provided, single submitter. Criteria: Invitae Variant Classification Sherloc (09022015). Collection method: clinical testing. Allele origin: germline.
Comment: This sequence change replaces proline, which is neutral and non-polar, with alanine, which is neutral and non-polar, at codon 504 of the NF1 protein (p.Pro504Ala). This variant is not present in population databases (gnomAD no frequency). This variant has not been reported in the literature in individuals affected with NF1-related conditions. Advanced modeling of protein sequence and biophysical properties (such as structural, functional, and spatial information, amino acid conservation, physicochemical variation, residue mobility, and thermodynamic stability) performed at Invitae indicates that this missense variant is expected to disrupt NF1 protein function. In summary, the available evidence is currently insufficient to determine the role of this variant in disease. Therefore, it has been classified as a Variant of Uncertain Significance.